The following is an entry in ClinVar:

NM_000152.5(GAA):c.2105G>A (p.Arg702His)

Gene: GAA (alpha glucosidase; plus strand). Cytogenetic location: 17q25.3.
Variant type: single nucleotide variant.
Coding change: c.2105G>A on transcript NM_000152.5 (MANE Select); coding-DNA position 2105, G replaced by A.
Protein change: p.Arg702His; replaces arginine 702 with histidine.
Molecular consequence: missense variant.
Genome position (GRCh38, 1-based): chr17:80,113,282, G>A. VCF-style: chr17-80113282-G-A. GRCh37 (hg19) VCF-style: chr17-78087081-G-A.
Other names: c.2105G>A (NM_000152.4, LRG_673t1); c.2105G>A, p.Arg702His (NM_001079803.3, NM_001079804.3); short protein forms R702H.
Identifiers: ClinVar variation 426278 (VCV000426278.39), dbSNP rs398123172, ClinGen allele CA8815610.

ClinVar aggregate classification (germline): Pathogenic. Review status: reviewed by expert panel (3 of 4 stars). 14 submissions from 14 submitters: Pathogenic (1). 13 of the submissions do not count toward it. Last evaluated 2024-03-05.

Conditions:
Glycogen storage disease, type II (IOPD). Also called: CARDIOMEGALIA GLYCOGENICA DIFFUSA; Glycogen storage disease type 2; Acid maltase deficiency disease; Aglucosidase alfa; Deficiency of alpha-glucosidase; Deficiency of lysosomal alpha-glucosidase. Identifiers: Orphanet 365, MedGen C0017921, MONDO:0009290, OMIM 232300.
GAA-related disorder. Also called: GAA-related condition.

Allele frequency attached by ClinVar (database versions not stated): gnomAD 0.00003; TOPMed 0.00003; gnomAD exomes 0.00005; ExAC 0.00007.
gnomAD v4.1: 38 of 1,600,208 alleles (0.0024%); highest among the groups gnomAD compares: Middle Eastern, 0.033%; no homozygotes.

Submissions 1 to 8 of 14:

ClinGen Lysosomal Storage Disorder Variant Curation Expert Panel
Classification: Pathogenic for Glycogen storage disease, type II. Last evaluated: 2024-03-05. Review status: reviewed by expert panel. Criteria: clingen_lsd_acmg_specifications_v2-1. Collection method: curation. Allele origin: germline. Inheritance: Autosomal recessive inheritance.
Comment: The NM_000152.5:c.2105G>A variant in GAA is a missense variant predicted to cause substitution of arginine by histidine at amino acid 702 (p.Arg702His). At least 3 unrelated patients were noted to have deficient GAA activity but results were not provided (PMID: 26310554, 30897595, 28394184). Two patients are described as having IOPD with clinical symptoms consistent with IOPD reported in one (PMID: 26310554). One patient is described as having juvenile-onset Pompe disease with deficient GAA (value not provided) (PMID: 18211760). Another patient is reported to have deficient GAA and late-onset Pompe disease (PMID: 30897595) (PP4_Moderate). At least one patient is described as having this variant in trans with a variant classified as likely pathogenic by the ClinGen Lysosomal Diseases (LD) VCEP (c.796C>T, p.Pro266Ser; ClinVar Variation ID Variation ID: 556117; SCV002540664.1) (PMID: 18211760). At least two patients have been reported with this variant in compound heterozygosity with another variant that has been classified as pathogenic by the ClinGen LD VCEP (c.2297A>C, p.Tyr766Ser, ClinVar Variation ID: Variation ID: 420102, SCV002540647.1, and c.2238G>C, p.Trp746Cys, ClinVar Variation ID: Variation ID: 265160, SCV002032122.1), phase unconfirmed for both (PMID: 28394184 and 30897595) (PM3_Strong). This variant is absent in gnomAD v2.1.1. (PM2_Supporting). The computational predictor REVEL gives a score of 0.985, which is above the threshold of 0.7, evidence that correlates with impact to GAA function (PP3). Expression of the variant in COS-7 cells resulted in 5% wild type GAA activity in medium and 13% residual activity in cells with evidence of abnormal synthesizing and processing (PMID: 18425781) leading the variant to be described as Class D “potentially mild” indicating that this variant may impact protein function (PS3_supporting). Another missense variant (c.2105G>T, p.Arg702Leu) in the same codon has been classified as pathogenic for Pompe disease by the ClinGen LD VCEP (ClinVar Variation ID: Variation ID: 92472)(PM5). There is a ClinVar entry for this variant (Variation ID: 426278). In summary, this variant meets the criteria to be classified as pathogenic for Pompe disease based on the GAA-specific ACMG/AMP criteria applied, as specified by the ClinGen Lysosomal Diseases Variant Curation Expert Panel (Specifications Version 2.0): PM3_strong, PM5, PP4_moderate, PM2_supporting, PP3, PS3_supporting.

Genomenon, Inc
Classification: Likely pathogenic for Glycogen storage disease, type II. Last evaluated: 2026-07-01. Review status: criteria provided, single submitter. Criteria: Genomenon Sequence Variant Interpretation Standards - Updated. Collection method: curation. Allele origin: germline. Affected: yes. Not counted in ClinVar's aggregate classification.
Comment: GAA p.Arg702His (c.2105G>A) is a missense variant that changes the amino acid at codon 702 from Arginine to Histidine. This variant has been observed in at least one proband with a GAA-related disorder in the compound heterozygous and/or homozygous state (PMID:39010129;32064362;28394184). At least one functional study has demonstrated a substantial alteration in protein function relative to the wild-type (PMID:18425781). It is absent or not present at a significant frequency in gnomAD. In silico models predict that this variant is possibly or probably damaging. In conclusion, we classify GAA p.Arg702His (c.2105G>A) as a likely pathogenic variant.

Labcorp Genetics (formerly Invitae), Labcorp
Classification: Pathogenic for Glycogen storage disease, type II. Last evaluated: 2025-09-21. Review status: criteria provided, single submitter. Criteria: Invitae Variant Classification Sherloc (09022015). Collection method: clinical testing. Allele origin: germline. Not counted in ClinVar's aggregate classification.
Comment: This sequence change replaces arginine, which is basic and polar, with histidine, which is basic and polar, at codon 702 of the GAA protein (p.Arg702His). This variant is present in population databases (rs398123172, gnomAD 0.009%). This missense change has been observed in individuals with Pompe disease (PMID: 18211760, 26310554, 28394184). ClinVar contains an entry for this variant (Variation ID: 426278). Invitae Evidence Modeling of protein sequence and biophysical properties (such as structural, functional, and spatial information, amino acid conservation, physicochemical variation, residue mobility, and thermodynamic stability) indicates that this missense variant is expected to disrupt GAA protein function with a positive predictive value of 95%. Experimental studies have shown that this missense change affects GAA function (PMID: 18425781). This variant disrupts the p.Arg702 amino acid residue in GAA. Other variant(s) that disrupt this residue have been determined to be pathogenic (PMID: 14972326, 22252923, 24158270, 27344650, 29122469). This suggests that this residue is clinically significant, and that variants that disrupt this residue are likely to be disease-causing. For these reasons, this variant has been classified as Pathogenic.

Natera, Inc.
Classification: Pathogenic for Glycogen storage disease type II. Last evaluated: 2025-08-08. Review status: criteria provided, single submitter. Criteria: Natera Variant Classification Schema (03/2026). Collection method: clinical testing. Allele origin: germline. Not counted in ClinVar's aggregate classification.
Comment: The c.2105G>A variant in GAA is a missense variant predicted to cause substitution of arginine to histidine at amino acid 702. This variant is rare in the general population with a frequency below the threshold expected for the associated phenotype(s). This variant has been observed in one or more individuals affected with the associated recessive disease, as either homozygous or compound heterozygous with a second variant (PMID: 38186848, 30897595, 28394184, 38823802). Functional studies show that this variant may disrupt protein function (PMID: 18425781). A different variant at the same position has been determined to be Pathogenic or Likely Pathogenic. Computational prediction algorithms indicate this variant is likely to affect gene or protein function. Given the available evidence, this variant is classified as Pathogenic.

GeneDx
Classification: Pathogenic. Last evaluated: 2025-05-16. Review status: criteria provided, single submitter. Criteria: GeneDx Variant Classification Process June 2021. Collection method: clinical testing. Allele origin: germline. Affected: yes. Not counted in ClinVar's aggregate classification.
Comment: Published functional studies demonstrate a damaging effect leading to significantly reduced but not absent enzyme activity compared to wild-type (PMID: 18425781); In silico analysis supports that this missense variant has a deleterious effect on protein structure/function; Not observed at significant frequency in large population cohorts (gnomAD); This variant is associated with the following publications: (PMID: 26310554, 31254424, 30275481, 18425781, 18211760, 27344650, 29325298, 31342611, 30526868, 32064362, 22253258, 19343043, 34426522, 28394184, 38186848, 30897595, 39010129, 40225932)

Fulgent Genetics
Classification: Pathogenic for Glycogen storage disease, type II. Last evaluated: 2024-03-26. Review status: criteria provided, single submitter. Criteria: ACMG Guidelines, 2015. Collection method: clinical testing. Allele origin: germline. Not counted in ClinVar's aggregate classification.

Revvity Omics, Revvity
Classification: Likely pathogenic. Last evaluated: 2023-10-26. Review status: criteria provided, single submitter. Criteria: ACMG Guidelines, 2015. Collection method: clinical testing. Allele origin: germline. Not counted in ClinVar's aggregate classification.

Myriad Genetics, Inc.
Classification: Likely pathogenic for Glycogen storage disease, type II. Last evaluated: 2021-10-01. Review status: criteria provided, single submitter. Criteria: Myriad Women's Health Autosomal Recessive and X-Linked Classification Criteria (2021). Collection method: clinical testing. Allele origin: unknown. Not counted in ClinVar's aggregate classification.
Comment: NM_000152.3(GAA):c.2105G>A(R702H) is a missense variant classified as likely pathogenic in the context of Pompe disease. R702H has been observed in cases with relevant disease (PMID: 18425781, 18211760, 28394184, 26310554, 27344650, 30897595, 29325298). Functional assessments of this variant are available in the literature (PMID: 18425781). R702H has been observed in population frequency databases (gnomAD: AFR 0.01%). In summary, NM_000152.3(GAA):c.2105G>A(R702H) is a missense variant that has functional support for pathogenicity and has been observed more frequently in cases with the relevant disease than in healthy populations. Please note: this variant was assessed in the context of healthy population screening.